The following is an entry in ClinVar:

ClinVar aggregate classification (germline): Uncertain significance (1 of 4 stars; one submission).

Submission:

Ambry Genetics
Classification: Uncertain significance. Last evaluated: 2025-05-11. Review status: criteria provided, single submitter. Criteria: Ambry Variant Classification Scheme 2023. Collection method: clinical testing. Allele origin: germline.
Comment: The p.Q705H variant (also known as c.2115G>T), located in coding exon 14 of the RINT1 gene, results from a G to T substitution at nucleotide position 2115. The glutamine at codon 705 is replaced by histidine, an amino acid with highly similar properties. This amino acid position is conserved. In addition, this alteration is predicted to be tolerated by in silico analysis. Based on the available evidence, the clinical significance of this variant remains unclear.

NM_021930.6(RINT1):c.2115G>T (p.Gln705His)

Genes: EFCAB10 (EF-hand calcium binding domain 10; minus strand), RINT1 (RAD50 interactor 1; plus strand). Cytogenetic location: 7q22.3.
Variant type: single nucleotide variant.
Coding change: c.2115G>T on transcript NM_021930.6 (MANE Select); coding-DNA position 2115, G replaced by T.
Protein change: p.Gln705His; replaces glutamine 705 with histidine.
Molecular consequence: missense variant. On other transcripts: non-coding transcript variant (1), intron variant (2).
Genome position (GRCh38, 1-based): chr7:105,565,577, G>T. VCF-style: chr7-105565577-G-T. GRCh37 (hg19) VCF-style: chr7-105206024-G-T.
Other names: c.422C>A, p.Thr141Asn (NM_001355530.2); c.1881G>T, p.Gln627His (NM_001346599.2); c.1092G>T, p.Gln364His (NM_001346600.2, NM_001346603.2); c.1191G>T, p.Gln397His (NM_001346601.2); c.360-130C>A (NM_001355531.2); c.384-130C>A (NM_001355526.2); short protein forms Q627H, Q705H, Q397H, Q364H, T141N.
Identifiers: ClinVar variation 3945995 (VCV003945995.1).